The following is an entry in ClinVar:

ClinVar aggregate classification (germline): Uncertain significance (1 of 4 stars; one submission).

Submission:

Ambry Genetics
Classification: Uncertain significance. Last evaluated: 2025-08-05. Review status: criteria provided, single submitter. Criteria: Ambry Variant Classification Scheme 2023. Collection method: clinical testing. Allele origin: germline.
Comment: The p.D178G variant (also known as c.533A>G), located in coding exon 1 of the WNK2 gene, results from an A to G substitution at nucleotide position 533. The aspartic acid at codon 178 is replaced by glycine, an amino acid with similar properties. This amino acid position is conserved. In addition, this alteration is predicted to be tolerated by in silico analysis. Based on the available evidence, the clinical significance of this variant remains unclear.

NM_006648.4(WNK2):c.533A>G (p.Asp178Gly)

Gene: WNK2 (WNK lysine deficient protein kinase 2; plus strand). Cytogenetic location: 9q22.31.
Variant type: single nucleotide variant.
Coding change: c.533A>G on transcript NM_006648.4 (MANE Select); coding-DNA position 533, A replaced by G.
Protein change: p.Asp178Gly; replaces aspartic acid 178 with glycine.
Molecular consequence: missense variant.
Genome position (GRCh38, 1-based): chr9:93,185,462, A>G. VCF-style: chr9-93185462-A-G. GRCh37 (hg19) VCF-style: chr9-95947744-A-G.
Other names: c.533A>G, p.Asp178Gly (NM_001282394.3); short protein forms D178G.
Identifiers: ClinVar variation 4201711 (VCV004201711.1).